The following is an entry in ClinVar:

ClinVar aggregate classification (germline): Uncertain significance. Review status: criteria provided, multiple submitters, no conflicts (2 of 4 stars). 2 submissions from 2 submitters: Uncertain significance (2). Last evaluated 2024-08-12.

Conditions:
RYR1-related disorder. Also called: RYR1-related condition; RYR1-related disorders. Identifiers: MedGen CN239331.
Inborn genetic diseases. Identifiers: MedGen C0950123, MeSH D030342.

Submissions (2):

Ambry Genetics
Classification: Uncertain significance for Inborn genetic diseases. Last evaluated: 2024-08-12. Review status: criteria provided, single submitter. Criteria: Ambry Variant Classification Scheme 2023. Collection method: clinical testing. Allele origin: germline.
Comment: The c.14509C>A (p.Q4837K) alteration is located in exon 100 (coding exon 100) of the RYR1 gene. This alteration results from a C to A substitution at nucleotide position 14509, causing the glutamine (Q) at amino acid position 4837 to be replaced by a lysine (K). This variant was not reported in population-based cohorts in the Genome Aggregation Database (gnomAD). This amino acid position is highly conserved in available vertebrate species. This alteration is predicted to be deleterious by in silico analysis. Based on insufficient or conflicting evidence, the clinical significance of this alteration remains unclear.

Labcorp Genetics (formerly Invitae), Labcorp
Classification: Uncertain significance for RYR1-related disorder. Last evaluated: 2021-07-04. Review status: criteria provided, single submitter. Criteria: Invitae Variant Classification Sherloc (09022015). Collection method: clinical testing. Allele origin: germline.
Comment: In summary, the available evidence is currently insufficient to determine the role of this variant in disease. Therefore, it has been classified as a Variant of Uncertain Significance. Algorithms developed to predict the effect of missense changes on protein structure and function are either unavailable or do not agree on the potential impact of this missense change (SIFT: "Deleterious"; PolyPhen-2: "Not Available"; Align-GVGD: "Class C0"). This variant has not been reported in the literature in individuals affected with RYR1-related conditions. This variant is not present in population databases (ExAC no frequency). This sequence change replaces glutamine with lysine at codon 4837 of the RYR1 protein (p.Gln4837Lys). The glutamine residue is highly conserved and there is a small physicochemical difference between glutamine and lysine.

NM_000540.3(RYR1):c.14509C>A (p.Gln4837Lys)

Gene: RYR1 (ryanodine receptor 1; plus strand). Cytogenetic location: 19q13.2.
Variant type: single nucleotide variant.
Coding change: c.14509C>A on transcript NM_000540.3 (MANE Select); coding-DNA position 14509, C replaced by A.
Protein change: p.Gln4837Lys; replaces glutamine 4837 with lysine.
Molecular consequence: missense variant.
Genome position (GRCh38, 1-based): chr19:38,580,126, C>A. VCF-style: chr19-38580126-C-A. GRCh37 (hg19) VCF-style: chr19-39070766-C-A.
Other names: c.14494C>A, p.Gln4832Lys (NM_001042723.2); c.14509C>A (NM_000540.2); short protein forms Q4832K, Q4837K.
Identifiers: ClinVar variation 1365749 (VCV001365749.9), dbSNP rs1568604577, ClinGen allele CA405687464.